The following is an entry in ClinVar:

ClinVar aggregate classification (germline): Uncertain significance. Review status: criteria provided, multiple submitters, no conflicts (2 of 4 stars). 2 submissions from 2 submitters: Uncertain significance (2). Last evaluated 2025-08-22.

Conditions:
Inborn genetic diseases. Identifiers: MedGen C0950123, MeSH D030342.

Allele frequency attached by ClinVar (database versions not stated): gnomAD exomes below 0.00001.
gnomAD v4.1: 3 of 1,613,052 alleles (0.00019%); highest among the groups gnomAD compares: Non-Finnish European, 0.00025%; no homozygotes.

Submissions (2):

Ambry Genetics
Classification: Uncertain significance for Inborn genetic diseases. Last evaluated: 2025-08-22. Review status: criteria provided, single submitter. Criteria: Ambry Variant Classification Scheme 2023. Collection method: clinical testing. Allele origin: germline.

Labcorp Genetics (formerly Invitae), Labcorp
Classification: Uncertain significance. Last evaluated: 2022-10-23. Review status: criteria provided, single submitter. Criteria: Invitae Variant Classification Sherloc (09022015). Collection method: clinical testing. Allele origin: germline.
Comment: In summary, the available evidence is currently insufficient to determine the role of this variant in disease. Therefore, it has been classified as a Variant of Uncertain Significance. Algorithms developed to predict the effect of missense changes on protein structure and function are either unavailable or do not agree on the potential impact of this missense change (SIFT: "Tolerated"; PolyPhen-2: "Probably Damaging"; Align-GVGD: "Class C0"). This variant has not been reported in the literature in individuals affected with TOPORS-related conditions. This variant is not present in population databases (gnomAD no frequency). This sequence change replaces leucine, which is neutral and non-polar, with phenylalanine, which is neutral and non-polar, at codon 36 of the TOPORS protein (p.Leu36Phe).

NM_005802.5(TOPORS):c.106C>T (p.Leu36Phe)

Gene: TOPORS (TOP1 binding arginine/serine rich protein, E3 ubiquitin ligase; minus strand). Cytogenetic location: 9p21.1.
Variant type: single nucleotide variant.
Coding change: c.106C>T on transcript NM_005802.5 (MANE Select); coding-DNA position 106, C replaced by T.
Protein change: p.Leu36Phe; replaces leucine 36 with phenylalanine.
Molecular consequence: missense variant. On other transcripts: intron variant (1).
Genome position (GRCh38, 1-based): chr9:32,550,866, G>A on the plus strand (C>T on the coding strand, the complement: TOPORS is on the minus strand). VCF-style: chr9-32550866-G-A. GRCh37 (hg19) VCF-style: chr9-32550864-G-A.
Other names: c.106C>T (NM_005802.4); c.3+1568C>T (NM_001195622.2); short protein forms L36F.
Identifiers: ClinVar variation 2979045 (VCV002979045.4), dbSNP rs2489473666, ClinGen allele CA373173563.